The following is an entry in ClinVar:

NM_001252102.2(KIF21B):c.1772A>G (p.Glu591Gly)

Gene: KIF21B (kinesin family member 21B; minus strand). Cytogenetic location: 1q32.1.
Variant type: single nucleotide variant.
Coding change: c.1772A>G on transcript NM_001252102.2 (MANE Select); coding-DNA position 1772, A replaced by G.
Protein change: p.Glu591Gly; replaces glutamic acid 591 with glycine.
Molecular consequence: missense variant.
Genome position (GRCh38, 1-based): chr1:200,999,462, T>C on the plus strand (A>G on the coding strand, the complement: KIF21B is on the minus strand). VCF-style: chr1-200999462-T-C. GRCh37 (hg19) VCF-style: chr1-200968590-T-C.
Other names: c.1772A>G, p.Glu591Gly (NM_001252100.2, NM_001252103.2, NM_017596.4); short protein forms E591G.
Identifiers: ClinVar variation 4994380 (VCV004994380.1).
Genomic context (GRCh38, chr1:200,999,462, plus strand): 5'-TCCTCATCTTCATCCTCGCGCCCTTCCTCCTCCTCACAGCCACTCTCGTCTCGCTCTTCC[T>C]CCTCCTGGGCACCAGGCACCATTGGGGTGGGCCTGGCCTCAGAGAGGGGAGCCCAGAAGC-3'
Protein context (NP_001239031.1, residues 581-601): ETDENEAEEE[Glu591Gly]EERDESGCEE

ClinVar aggregate classification (germline): Uncertain significance (1 of 4 stars; one submission).

Conditions:
KIF21B-related disorder. Also called: KIF21B-related disorders; KIF21B-related condition.

Submission:

PreventionGenetics, part of Exact Sciences
Classification: Uncertain significance for KIF21B-related condition. Last evaluated: 2026-05-21. Review status: criteria provided, single submitter. Criteria: ACMG Guidelines, 2015. Collection method: clinical testing. Allele origin: germline.
Comment: The KIF21B c.1772A>G variant is predicted to result in the amino acid substitution p.Glu591Gly. To our knowledge, this variant has not been reported in the literature or in a large population database (gnomAD), indicating this variant is rare. At this time, the clinical significance of this variant is uncertain due to the absence of conclusive functional and genetic evidence.